The following is an entry in ClinVar:

NM_001458.5(FLNC):c.7019G>A (p.Arg2340Gln)

Genes: FLNC (filamin C; plus strand), FLNC-AS1 (FLNC antisense RNA 1; minus strand). Cytogenetic location: 7q32.1.
Variant type: single nucleotide variant.
Coding change: c.7019G>A on transcript NM_001458.5 (MANE Select); coding-DNA position 7019, G replaced by A.
Protein change: p.Arg2340Gln; replaces arginine 2340 with glutamine.
Molecular consequence: missense variant.
Genome position (GRCh38, 1-based): chr7:128,854,796, G>A. VCF-style: chr7-128854796-G-A. GRCh37 (hg19) VCF-style: chr7-128494850-G-A.
Other names: c.6920G>A, p.Arg2307Gln (NM_001127487.2); short protein forms R2340Q, R2307Q.
Identifiers: ClinVar variation 2450907 (VCV002450907.2), dbSNP rs2536665861, ClinGen allele CA369214939.
Genomic context (GRCh38, chr7:128,854,796, plus strand): 5'-GGCGATGATGCTGAAGTCCACTACCTTGCCTGTCCCCAGCCGAGTTCAGCATCTGGACCC[G>A]GGAGGCTGGCGCTGGGGGCCTGTCCATTGCTGTGGAGGGTCCTAGCAAAGCGGAGATTGC-3'
Protein context (NP_001449.3, residues 2330-2350): GVPAEFSIWT[Arg2340Gln]EAGAGGLSIA

ClinVar aggregate classification (germline): Uncertain significance (1 of 4 stars; one submission).

Conditions:
Cardiovascular phenotype. Identifiers: MedGen CN230736.

Submission:

Ambry Genetics
Classification: Uncertain significance for Cardiovascular phenotype. Last evaluated: 2023-02-23. Review status: criteria provided, single submitter. Criteria: Ambry Variant Classification Scheme 2023. Collection method: clinical testing. Allele origin: germline.
Comment: The p.R2340Q variant (also known as c.7019G>A), located in coding exon 42 of the FLNC gene, results from a G to A substitution at nucleotide position 7019. The arginine at codon 2340 is replaced by glutamine, an amino acid with highly similar properties. This amino acid position is conserved. In addition, this alteration is predicted to be deleterious by in silico analysis. Since supporting evidence is limited at this time, the clinical significance of this alteration remains unclear.